The following is an entry in ClinVar:

NM_000443.4(ABCB4):c.749del (p.Ala250fs)

Gene: ABCB4 (ATP binding cassette subfamily B member 4; minus strand). Cytogenetic location: 7q21.12.
Variant type: Deletion.
Coding change: c.749del on transcript NM_000443.4 (MANE Select); coding-DNA position 749, one base deleted (C; older notation c.749delC).
Protein change: p.Ala250fs; shifts the reading frame from alanine 250.
Molecular consequence: frameshift variant.
Genome position (GRCh38, 1-based): chr7:87,450,052, G deleted on the plus strand (C on the coding strand, the reverse complement: ABCB4 is on the minus strand). VCF-style (leftmost placement, unchanged base first): chr7-87450051-TG-T. GRCh37 (hg19) VCF-style: chr7-87079367-TG-T.
Other names: c.749del, p.Ala250fs (NM_018850.3, NM_018849.3); short protein forms A250fs.
Identifiers: ClinVar variation 2713948 (VCV002713948.3), dbSNP rs2546854230, ClinGen allele CA2697557362.
Genomic context (GRCh38, chr7:87,450,051, plus strand): 5'-CCCGAAAGCTATCACAGTCCTGATGGCCCCCAGAGCCTCTTCTGCCACGGCGCCTGCTTT[TG>T]CATAAGCAGCTAGTTCTTTGTCACTAAATGCCGAGAGTATCTGGACAGAAAAGAAACAGT-3'

ClinVar aggregate classification (germline): Pathogenic (1 of 4 stars; one submission).

Submission:

Labcorp Genetics (formerly Invitae), Labcorp
Classification: Pathogenic. Last evaluated: 2024-01-29. Review status: criteria provided, single submitter. Criteria: Invitae Variant Classification Sherloc (09022015). Collection method: clinical testing. Allele origin: germline.
Comment: This sequence change creates a premature translational stop signal (p.Ala250Glufs*17) in the ABCB4 gene. It is expected to result in an absent or disrupted protein product. Loss-of-function variants in ABCB4 are known to be pathogenic (PMID: 17726488, 25755532). This variant is not present in population databases (gnomAD no frequency). This variant has not been reported in the literature in individuals affected with ABCB4-related conditions. For these reasons, this variant has been classified as Pathogenic.

Literature cited by the submitters: PubMed 17726488; PubMed 25755532.